The following is an entry in ClinVar:

ClinVar aggregate classification (germline): Benign. Review status: criteria provided, multiple submitters, no conflicts (2 of 4 stars). 2 submissions from 2 submitters: Benign (2). Last evaluated 2018-01-12.

Conditions:
Familial dysautonomia. Also called: HSAN III; FD. Identifiers: Orphanet 1764, MedGen C0013364, MONDO:0009131, OMIM 223900. Disease mechanism: loss of function.

Allele frequency attached by ClinVar (database versions not stated): gnomAD 0.41103 and 0.41826; TOPMed 0.42681; 1000 Genomes Project 0.44728; 1000 Genomes Project 30x 0.45378.

Submissions (2):

Illumina Laboratory Services, Illumina
Classification: Benign for Familial dysautonomia. Last evaluated: 2018-01-12. Review status: criteria provided, single submitter. Criteria: ICSL Variant Classification Criteria 13 December 2019. Collection method: clinical testing. Allele origin: germline.
Comment: This variant was observed in the ICSL laboratory as part of a predisposition screen in an ostensibly healthy population. It had not been previously curated by ICSL or reported in the Human Gene Mutation Database (HGMD: prior to June 1st, 2018), and was therefore a candidate for classification through an automated scoring system. Utilizing variant allele frequency, disease prevalence and penetrance estimates, and inheritance mode, an automated score was calculated to assess if this variant is too frequent to cause the disease. Based on the score and internal cut-off values, a variant classified as benign is not then subjected to further curation. The score for this variant resulted in a classification of benign for this disease.

Breakthrough Genomics
Classification: Benign. Review status: criteria provided, single submitter. Criteria: ACMG Guidelines, 2015. Collection method: not provided. Allele origin: germline. Inheritance: Autosomal recessive inheritance. Affected: yes.

NM_003640.5(ELP1):c.*1351C>A

Gene: ELP1 (elongator acetyltransferase complex subunit 1; minus strand). Cytogenetic location: 9q31.3.
Variant type: single nucleotide variant.
Coding change: c.*1351C>A on transcript NM_003640.5 (MANE Select); 1351 bases downstream of the stop codon, C replaced by A.
Molecular consequence: 3 prime UTR variant.
Genome position (GRCh38, 1-based): chr9:108,867,764, G>T on the plus strand (C>A on the coding strand, the complement: ELP1 is on the minus strand). VCF-style: chr9-108867764-G-T. GRCh37 (hg19) VCF-style: chr9-111630044-G-T.
Other names: c.*1351C>A (NM_001318360.2, NM_001330749.2, LRG_251t1).
Identifiers: ClinVar variation 364536 (VCV000364536.6), dbSNP rs4978371, ClinGen allele CA10626213.
Genomic context (GRCh38, chr9:108,867,764, plus strand): 5'-AAAAGTAGATTTCTCCAAAGCAAAGTATATCTTCTTTCTCTTCTTTTTAAAAACTCCTAT[G>T]AGATTGTGAAAATGTTCAAACATACAGAAAAGTTGAATTTTACAGTGAATACTCCTAGAT-3'